The following is an entry in ClinVar:

ClinVar aggregate classification (germline): Uncertain significance (1 of 4 stars; one submission).

Submission:

Women's Health and Genetics/Laboratory Corporation of America, LabCorp
Classification: Uncertain significance. Last evaluated: 2022-08-03. Review status: criteria provided, single submitter. Criteria: LabCorp Variant Classification Summary - May 2015. Collection method: clinical testing. Allele origin: germline.
Comment: Variant summary: The variant identified by MLPA or other technology involves the duplication of exon 2 in the PDHX gene. A presumed nomenclature of c.(160+1_161-1)_(241+1_242-1)dup has been designated for the purposes of this classification. It has been assumed that this is a tandem duplication in direct orientation (Richardson_GIM_2018, Newman_AJHG_2015). Although exact breakpoints of this duplication are not known, it is expected to result in a large in-frame duplication change in the PDHX gene. The variant was absent in 21694 control chromosomes (gnomAD, Structural Variants dataset). The available data on variant occurrences in the general population are insufficient to allow any conclusion about variant significance. To our knowledge, no occurrence of c.(160+1_161-1)_(241+1_242-1)dup in individuals affected with Pyruvate Dehydrogenase E3-Binding Protein Deficiency and no experimental evidence demonstrating its impact on protein function have been reported. A ClinVar submitter (evaluation after 2014) cites the variant as uncertain significance. Based on the evidence outlined above, the variant was classified as uncertain significance.

NC_000011.9:g.(34938363_34952950)_(34953032_34969052)dup

Gene: PDHX (pyruvate dehydrogenase complex component X; plus strand). Cytogenetic location: 11p13.
Variant type: Duplication.
Identifiers: ClinVar variation 1705220 (VCV001705220.1).